The following is an entry in ClinVar:

NM_006922.4(SCN3A):c.5489A>G (p.Asn1830Ser)

Gene: SCN3A (sodium voltage-gated channel alpha subunit 3; minus strand). Cytogenetic location: 2q24.3.
Variant type: single nucleotide variant.
Coding change: c.5489A>G on transcript NM_006922.4 (MANE Select); coding-DNA position 5489, A replaced by G.
Protein change: p.Asn1830Ser; replaces asparagine 1830 with serine.
Molecular consequence: missense variant.
Genome position (GRCh38, 1-based): chr2:165,090,664, T>C on the plus strand (A>G on the coding strand, the complement: SCN3A is on the minus strand). VCF-style: chr2-165090664-T-C. GRCh37 (hg19) VCF-style: chr2-165947174-T-C.
Other names: c.5342A>G, p.Asn1781Ser (NM_001081676.2, NM_001081677.2); short protein forms N1781S, N1830S.
Identifiers: ClinVar variation 1718338 (VCV001718338.5), dbSNP rs1685050253, ClinGen allele CA349012114.

ClinVar aggregate classification (germline): Uncertain significance (1 of 4 stars; one submission).

Allele frequency attached by ClinVar (database versions not stated): TOPMed below 0.00001.

Submission:

Labcorp Genetics (formerly Invitae), Labcorp
Classification: Uncertain significance. Last evaluated: 2022-10-13. Review status: criteria provided, single submitter. Criteria: Invitae Variant Classification Sherloc (09022015). Collection method: clinical testing. Allele origin: germline.
Comment: This variant has not been reported in the literature in individuals affected with SCN3A-related conditions. In summary, the available evidence is currently insufficient to determine the role of this variant in disease. Therefore, it has been classified as a Variant of Uncertain Significance. Advanced modeling of protein sequence and biophysical properties (such as structural, functional, and spatial information, amino acid conservation, physicochemical variation, residue mobility, and thermodynamic stability) performed at Invitae indicates that this missense variant is expected to disrupt SCN3A protein function. This variant is not present in population databases (gnomAD no frequency). This sequence change replaces asparagine, which is neutral and polar, with serine, which is neutral and polar, at codon 1830 of the SCN3A protein (p.Asn1830Ser).